The following is an entry in ClinVar:

NM_002693.3(POLG):c.1100C>T (p.Pro367Leu)

Gene: POLG (DNA polymerase gamma, catalytic subunit; minus strand). Cytogenetic location: 15q26.1.
Variant type: single nucleotide variant.
Coding change: c.1100C>T on transcript NM_002693.3 (MANE Select); coding-DNA position 1100, C replaced by T.
Protein change: p.Pro367Leu; replaces proline 367 with leucine.
Molecular consequence: missense variant.
Genome position (GRCh38, 1-based): chr15:89,328,755, G>A on the plus strand (C>T on the coding strand, the complement: POLG is on the minus strand). VCF-style: chr15-89328755-G-A. GRCh37 (hg19) VCF-style: chr15-89871986-G-A.
Other names: c.1100C>T, p.Pro367Leu (NM_001126131.2); short protein forms P367L.
Identifiers: ClinVar variation 659431 (VCV000659431.10), dbSNP rs751761350, ClinGen allele CA7724954.

ClinVar aggregate classification (germline): Uncertain significance. Review status: criteria provided, multiple submitters, no conflicts (2 of 4 stars). 2 submissions from 2 submitters: Uncertain significance (2). Last evaluated 2025-04-02.

Conditions:
Progressive sclerosing poliodystrophy (MTDPS4A). Also called: ALPERS PROGRESSIVE INFANTILE POLIODYSTROPHY; ALPERS DIFFUSE DEGENERATION OF CEREBRAL GRAY MATTER WITH HEPATIC CIRRHOSIS; Alpers-Huttenlocher Syndrome; Mitochondrial DNA depletion syndrome 4A (Alpers type); Alpers-Huttenlocher Syndrome (AHS); NEURONAL DEGENERATION OF CHILDHOOD WITH LIVER DISEASE, PROGRESSIVE. Identifiers: Orphanet 726, MedGen C0205710, MONDO:0008758, OMIM 203700.

Allele frequency attached by ClinVar (database versions not stated): gnomAD exomes below 0.00001; ExAC 0.00001; gnomAD 0.00001; TOPMed 0.00002.
gnomAD v4.1: 2 of 1,614,002 alleles (0.00012%); highest among the groups gnomAD compares: African/African-American, 0.0027%; no homozygotes.

Submissions (2):

Labcorp Genetics (formerly Invitae), Labcorp
Classification: Uncertain significance for Progressive sclerosing poliodystrophy. Last evaluated: 2025-04-02. Review status: criteria provided, single submitter. Criteria: Invitae Variant Classification Sherloc (09022015). Collection method: clinical testing. Allele origin: germline.
Comment: This sequence change replaces proline, which is neutral and non-polar, with leucine, which is neutral and non-polar, at codon 367 of the POLG protein (p.Pro367Leu). This variant is present in population databases (rs751761350, gnomAD 0.008%). This variant has not been reported in the literature in individuals affected with POLG-related conditions. ClinVar contains an entry for this variant (Variation ID: 659431). Invitae Evidence Modeling of protein sequence and biophysical properties (such as structural, functional, and spatial information, amino acid conservation, physicochemical variation, residue mobility, and thermodynamic stability) has been performed for this missense variant. However, the output from this modeling did not meet the statistical confidence thresholds required to predict the impact of this variant on POLG protein function. In summary, the available evidence is currently insufficient to determine the role of this variant in disease. Therefore, it has been classified as a Variant of Uncertain Significance.

GeneDx
Classification: Uncertain significance. Last evaluated: 2024-03-24. Review status: criteria provided, single submitter. Criteria: GeneDx Variant Classification Process June 2021. Collection method: clinical testing. Allele origin: germline. Affected: yes.
Comment: Not observed at significant frequency in large population cohorts (gnomAD); In silico analysis supports that this missense variant does not alter protein structure/function; Has not been previously published as pathogenic or benign to our knowledge; This variant is associated with the following publications: (PMID: 27290639)